The following is an entry in ClinVar:

NM_006059.4(LAMC3):c.1251C>T (p.Pro417=)

Gene: LAMC3 (laminin subunit gamma 3; plus strand). Cytogenetic location: 9q34.12.
Variant type: single nucleotide variant.
Coding change: c.1251C>T on transcript NM_006059.4 (MANE Select); coding-DNA position 1251, C replaced by T.
Protein change: p.Pro417=; no amino-acid change (proline 417 retained).
Molecular consequence: synonymous variant.
Genome position (GRCh38, 1-based): chr9:131,039,216, C>T. VCF-style: chr9-131039216-C-T. GRCh37 (hg19) VCF-style: chr9-133914603-C-T.
Identifiers: ClinVar variation 736342 (VCV000736342.11), dbSNP rs148513856, ClinGen allele CA5287000.
Genomic context (GRCh38, chr9:131,039,216, plus strand): 5'-CACAGGCACCTGCGCCTGCAAGCCCACGGTGACTGGCTGGAAGTGTGACCGCTGTCTGCC[C>T]GGGTTCCACTCGCTCAGTGAGGGAGGCTGCAGGTGAGGGCGAGGGGCGGCCCAGTATGGA-3'
Protein context (NP_006050.3, residues 407-427): VTGWKCDRCL[Pro417=]GFHSLSEGGC

ClinVar aggregate classification (germline): Likely benign. Review status: criteria provided, single submitter (1 of 4 stars). 2 submissions from 2 submitters: Likely benign (1). 1 of the submissions does not count toward it. Last evaluated 2025-03-04.

Conditions:
LAMC3-related disorder. Also called: LAMC3-related condition.

Allele frequency attached by ClinVar (database versions not stated): gnomAD exomes 0.00009 and 0.00010; ExAC 0.00011; ESP Exome Variant Server 0.00023; gnomAD 0.00034; TOPMed 0.00041; 1000 Genomes Project 0.00080; 1000 Genomes Project 30x 0.00094.
gnomAD v4.1: 180 of 1,607,276 alleles (0.011%); highest among the groups gnomAD compares: African/African-American, 0.11%; no homozygotes.

Submissions (2):

Labcorp Genetics (formerly Invitae), Labcorp
Classification: Likely benign. Last evaluated: 2025-03-04. Review status: criteria provided, single submitter. Criteria: Invitae Variant Classification Sherloc (09022015). Collection method: clinical testing. Allele origin: germline.

PreventionGenetics, part of Exact Sciences
Classification: Likely benign for LAMC3-related condition. Last evaluated: 2019-08-09. Review status: no assertion criteria provided. Collection method: clinical testing. Allele origin: germline. Not counted in ClinVar's aggregate classification.
Comment: This variant is classified as likely benign based on ACMG/AMP sequence variant interpretation guidelines (Richards et al. 2015 PMID: 25741868, with internal and published modifications).